The following is an entry in ClinVar:

ClinVar aggregate classification (germline): Uncertain significance. Review status: criteria provided, multiple submitters, no conflicts (2 of 4 stars). 2 submissions from 2 submitters: Uncertain significance (2). Last evaluated 2024-01-19.

Conditions:
COG5-congenital disorder of glycosylation. Also called: CDG IIi; CONGENITAL DISORDER OF GLYCOSYLATION, TYPE IIi; COG5-CDG. Identifiers: Orphanet 263487, MedGen C3150876, MONDO:0013325, OMIM 613612.
Inborn genetic diseases. Identifiers: MedGen C0950123, MeSH D030342.

Allele frequency attached by ClinVar (database versions not stated): gnomAD 0.00001; TOPMed 0.00001; gnomAD exomes below 0.00001.

Submissions (2):

Ambry Genetics
Classification: Uncertain significance for Inborn genetic diseases. Last evaluated: 2024-01-19. Review status: criteria provided, single submitter. Criteria: Ambry Variant Classification Scheme 2023. Collection method: clinical testing. Allele origin: germline.

Labcorp Genetics (formerly Invitae), Labcorp
Classification: Uncertain significance for COG5-congenital disorder of glycosylation. Last evaluated: 2021-08-31. Review status: criteria provided, single submitter. Criteria: Invitae Variant Classification Sherloc (09022015). Collection method: clinical testing. Allele origin: germline.
Comment: This sequence change replaces arginine with tryptophan at codon 17 of the COG5 protein (p.Arg17Trp). The arginine residue is weakly conserved and there is a moderate physicochemical difference between arginine and tryptophan. This variant is not present in population databases (ExAC no frequency). This variant has not been reported in the literature in individuals affected with COG5-related conditions. Algorithms developed to predict the effect of missense changes on protein structure and function are either unavailable or do not agree on the potential impact of this missense change (SIFT: "Deleterious"; PolyPhen-2: "Possibly Damaging"; Align-GVGD: "Class C0"). In summary, the available evidence is currently insufficient to determine the role of this variant in disease. Therefore, it has been classified as a Variant of Uncertain Significance.

NC_000007.14:g.107563941G>A

Gene: COG5 (component of oligomeric golgi complex 5; minus strand). Cytogenetic location: 7q22.3.
Variant type: single nucleotide variant.
Genome position: GRCh38 VCF-style: chr7-107563941-G-A. GRCh37 (hg19) VCF-style: chr7-107204386-G-A.
Other names: short protein forms R17W.
Identifiers: ClinVar variation 1502353 (VCV001502353.6), dbSNP rs1445399193, ClinGen allele CA368826917.